The following is an entry in ClinVar:

NM_017755.6(NSUN2):c.891-163_1007del

Gene: NSUN2 (NOP2/Sun RNA methyltransferase 2; minus strand). Cytogenetic location: 5p15.31.
Variant type: Deletion.
Coding change: c.891-163_1007del on transcript NM_017755.6 (MANE Select); 163 bases into the intron before coding-DNA position 891 through coding-DNA position 1007, 280 bases deleted.
Molecular consequence: splice acceptor variant.
Genome position (GRCh38, 1-based): chr5:6,616,741-6,617,020, 280 bases deleted. GRCh37 (hg19): chr5:6,616,857-6,617,136.
Other names: c.786-163_902del (NM_001193455.2).
Identifiers: ClinVar variation 2009994 (VCV002009994.4), dbSNP rs2477448259, ClinGen allele CA2580073147.

ClinVar aggregate classification (germline): Likely pathogenic (1 of 4 stars; one submission).

Submission:

Labcorp Genetics (formerly Invitae), Labcorp
Classification: Likely pathogenic. Last evaluated: 2025-12-15. Review status: criteria provided, single submitter. Criteria: Invitae Variant Classification Sherloc (09022015). Collection method: clinical testing. Allele origin: germline.
Comment: This variant results in the deletion of part of exon 9 (c.891-163_1007del) of the NSUN2 gene. It is expected to disrupt RNA splicing. Variants that disrupt the donor or acceptor splice site typically lead to a loss of protein function (PMID: 16199547), and loss-of-function variants in NSUN2 are known to be pathogenic (PMID: 22541559, 22577224). This variant is not present in population databases (gnomAD no frequency). This variant has not been reported in the literature in individuals affected with NSUN2-related conditions. ClinVar contains an entry for this variant (Variation ID: 2009994). This variant disrupts a region of the NSUN2 protein in which other variant(s) (p.Tyr318Ser) have been observed in individuals with NSUN2-related conditions (PMID: 37305761). This suggests that this is a clinically significant region of the protein, and that variants that disrupt it are likely to be disease-causing. In summary, the currently available evidence indicates that the variant is pathogenic, but additional data are needed to prove that conclusively. Therefore, this variant has been classified as Likely Pathogenic.

Literature cited by the submitters: PubMed 16199547; PubMed 22541559; PubMed 22577224; PubMed 37305761.